The following is an entry in ClinVar:

ClinVar aggregate classification (germline): Uncertain significance (1 of 4 stars; one submission).

gnomAD v4.1: 2 of 1,201,190 alleles (0.00017%); highest among the groups gnomAD compares: South Asian, 0.0018%; no homozygotes.

Submission:

GeneDx
Classification: Uncertain significance. Last evaluated: 2025-02-13. Review status: criteria provided, single submitter. Criteria: GeneDx Variant Classification Process June 2021. Collection method: clinical testing. Allele origin: germline. Affected: yes.
Comment: Not observed at significant frequency in large population cohorts (gnomAD); In silico analysis supports that this missense variant has a deleterious effect on protein structure/function; Has not been previously published as pathogenic or benign to our knowledge

NM_001205019.2(GK):c.767G>A (p.Gly256Asp)

Genes: GK (glycerol kinase; plus strand), GK-AS1 (GK antisense RNA 1; minus strand). Cytogenetic location: Xp21.2.
Variant type: single nucleotide variant.
Coding change: c.767G>A on transcript NM_001205019.2 (MANE Select); coding-DNA position 767, G replaced by A.
Protein change: p.Gly256Asp; replaces glycine 256 with aspartic acid.
Molecular consequence: missense variant. On other transcripts: non-coding transcript variant (8).
Genome position (GRCh38, 1-based): chrX:30,700,433, G>A. VCF-style: chrX-30700433-G-A. GRCh37 (hg19) VCF-style: chrX-30718550-G-A.
Other names: c.749G>A, p.Gly250Asp (NM_000167.6, NM_001128127.3); c.833G>A, p.Gly278Asp (NM_001399987.1, NM_001437590.1); c.767G>A, p.Gly256Asp (NM_203391.4); short protein forms G250D, G256D, G278D.
Identifiers: ClinVar variation 4075600 (VCV004075600.1).